The following is an entry in ClinVar:

ClinVar aggregate classification (germline): Conflicting classifications of pathogenicity. Review status: criteria provided, conflicting classifications (1 of 4 stars). 4 submissions from 3 submitters: Uncertain significance (1); Benign (2); Likely benign (1). Last evaluated 2025-12-24.

Conditions:
Autosomal dominant nonsyndromic hearing loss 17. Also called: Deafness, autosomal dominant 17; Autosomal dominant nonsyndromic deafness 17. Identifiers: Orphanet 90635, MedGen C1863659, MONDO:0011350, OMIM 603622.
MYH9-related disorder. Identifiers: MedGen C1854520.

Allele frequency attached by ClinVar (database versions not stated): ESP Exome Variant Server 0.00008; gnomAD 0.00011 and 0.00012; gnomAD exomes 0.00012 and 0.00014; ExAC 0.00013; 1000 Genomes Project 30x 0.00016; TOPMed 0.00017; 1000 Genomes Project 0.00020.
gnomAD v4.1: 196 of 1,613,398 alleles (0.012%); highest among the groups gnomAD compares: Non-Finnish European, 0.0074%; no homozygotes.

Submissions (4):

Labcorp Genetics (formerly Invitae), Labcorp
Classification: Benign. Last evaluated: 2025-12-24. Review status: criteria provided, single submitter. Criteria: Invitae Variant Classification Sherloc (09022015). Collection method: clinical testing. Allele origin: germline.

Blueprint Genetics
Classification: Likely benign. Last evaluated: 2024-10-24. Review status: criteria provided, single submitter. Criteria: ACMG Guidelines, 2015. Collection method: clinical testing. Allele origin: germline.

Illumina Laboratory Services, Illumina
Classification: Uncertain significance for Autosomal dominant nonsyndromic hearing loss 17. Last evaluated: 2018-01-13. Review status: criteria provided, single submitter. Criteria: ICSL Variant Classification Criteria 13 December 2019. Collection method: clinical testing. Allele origin: germline.

Illumina Laboratory Services, Illumina
Classification: Benign for MYH9-related disorder. Last evaluated: 2018-01-13. Review status: criteria provided, single submitter. Criteria: ICSL Variant Classification Criteria 13 December 2019. Collection method: clinical testing. Allele origin: germline.
Comment: This variant was observed in the ICSL laboratory as part of a predisposition screen in an ostensibly healthy population. It had not been previously curated by ICSL or reported in the Human Gene Mutation Database (HGMD: prior to June 1st, 2018), and was therefore a candidate for classification through an automated scoring system. Utilizing variant allele frequency, disease prevalence and penetrance estimates, and inheritance mode, an automated score was calculated to assess if this variant is too frequent to cause the disease. Based on the score and internal cut-off values, a variant classified as benign is not then subjected to further curation. The score for this variant resulted in a classification of benign for this disease.

NM_002473.6(MYH9):c.3852C>T (p.Asn1284=)

Gene: MYH9 (myosin heavy chain 9; minus strand). Cytogenetic location: 22q12.3.
Variant type: single nucleotide variant.
Coding change: c.3852C>T on transcript NM_002473.6 (MANE Select); coding-DNA position 3852, C replaced by T.
Protein change: p.Asn1284=; no amino-acid change (asparagine 1284 retained).
Molecular consequence: synonymous variant.
Genome position (GRCh38, 1-based): chr22:36,293,849, G>A on the plus strand (C>T on the coding strand, the complement: MYH9 is on the minus strand). VCF-style: chr22-36293849-G-A. GRCh37 (hg19) VCF-style: chr22-36689895-G-A.
Identifiers: ClinVar variation 901046 (VCV000901046.12), dbSNP rs200272787, ClinGen allele CA10209535.